The following is an entry in ClinVar:

NM_001372.4(DNAH9):c.3072del (p.Leu1025fs)

Genes: DNAH9 (dynein axonemal heavy chain 9; plus strand), LOC126862505 (BRD4-independent group 4 enhancer GRCh37_chr17:11572478-11573677; plus strand). Cytogenetic location: 17p12.
Variant type: Deletion.
Coding change: c.3072del on transcript NM_001372.4 (MANE Select); coding-DNA position 3072, one base deleted (T; older notation c.3072delT).
Protein change: p.Leu1025fs; shifts the reading frame from leucine 1025.
Molecular consequence: frameshift variant.
Genome position (GRCh38, 1-based): chr17:11,669,513, T deleted; the last of 2 consecutive T bases (chr17:11,669,512-11,669,513); deleting either gives the same sequence. VCF-style (leftmost placement, unchanged base first): chr17-11669511-GT-G. GRCh37 (hg19) VCF-style: chr17-11572828-GT-G.
Other names: short protein forms L1025fs.
Identifiers: ClinVar variation 2896754 (VCV002896754.3), dbSNP rs2544356937, ClinGen allele CA497980710.

ClinVar aggregate classification (germline): Pathogenic (1 of 4 stars; one submission).

Submission:

Labcorp Genetics (formerly Invitae), Labcorp
Classification: Pathogenic. Last evaluated: 2025-04-11. Review status: criteria provided, single submitter. Criteria: Invitae Variant Classification Sherloc (09022015). Collection method: clinical testing. Allele origin: germline.
Comment: This sequence change creates a premature translational stop signal (p.Leu1025Trpfs*61) in the DNAH9 gene. It is expected to result in an absent or disrupted protein product. Loss-of-function variants in DNAH9 are known to be pathogenic (PMID: 30471718). This variant is not present in population databases (gnomAD no frequency). This variant has not been reported in the literature in individuals affected with DNAH9-related conditions. ClinVar contains an entry for this variant (Variation ID: 2896754). For these reasons, this variant has been classified as Pathogenic.

Literature cited by the submitters: PubMed 30471718.